The following is an entry in ClinVar:

ClinVar aggregate classification (germline): Uncertain significance (1 of 4 stars; one submission).

Conditions:
Cardiovascular phenotype. Identifiers: MedGen CN230736.

Submission:

Ambry Genetics
Classification: Uncertain significance for Cardiovascular phenotype. Last evaluated: 2022-05-24. Review status: criteria provided, single submitter. Criteria: Ambry Variant Classification Scheme 2023. Collection method: clinical testing. Allele origin: germline.
Comment: The p.K140T variant (also known as c.419A>C), located in coding exon 3 of the SCN1B gene, results from an A to C substitution at nucleotide position 419. The lysine at codon 140 is replaced by threonine, an amino acid with similar properties. This amino acid position is conserved. In addition, this alteration is predicted to be deleterious by in silico analysis. Since supporting evidence is limited at this time, the clinical significance of this alteration remains unclear.

NM_001037.5(SCN1B):c.419A>C (p.Lys140Thr)

Gene: SCN1B (sodium voltage-gated channel beta subunit 1; plus strand). Cytogenetic location: 19q13.11.
Variant type: single nucleotide variant.
Coding change: c.419A>C on transcript NM_001037.5 (MANE Select); coding-DNA position 419, A replaced by C.
Protein change: p.Lys140Thr; replaces lysine 140 with threonine.
Molecular consequence: missense variant.
Genome position (GRCh38, 1-based): chr19:35,033,710, A>C. VCF-style: chr19-35033710-A-C. GRCh37 (hg19) VCF-style: chr19-35524614-A-C.
Other names: c.320A>C, p.Lys107Thr (NM_001321605.2); c.419A>C, p.Lys140Thr (NM_199037.5); short protein forms K107T, K140T.
Identifiers: ClinVar variation 1738607 (VCV001738607.2), dbSNP rs2514234720, ClinGen allele CA405328999.
Genomic context (GRCh38, chr19:35,033,710, plus strand): 5'-AGTGCCACGTCTACCGCCTGCTCTTCTTCGAAAACTACGAGCACAACACCAGCGTCGTCA[A>C]GAAGATCCACATTGAGGTAGTGGACAAAGGTGAGTCGGGTGCTGCCTGCCCCTTTACCGT-3'
Protein context (NP_001028.1, residues 130-150): ENYEHNTSVV[Lys140Thr]KIHIEVVDKA